The following is an entry in ClinVar:

NM_000489.6(ATRX):c.3270G>C (p.Glu1090Asp)

Gene: ATRX (ATRX chromatin remodeler; minus strand). Cytogenetic location: Xq21.1.
Variant type: single nucleotide variant.
Coding change: c.3270G>C on transcript NM_000489.6 (MANE Select); coding-DNA position 3270, G replaced by C.
Protein change: p.Glu1090Asp; replaces glutamic acid 1090 with aspartic acid.
Molecular consequence: missense variant.
Genome position (GRCh38, 1-based): chrX:77,681,986, C>G on the plus strand (G>C on the coding strand, the complement: ATRX is on the minus strand). VCF-style: chrX-77681986-C-G. GRCh37 (hg19) VCF-style: chrX-76937478-C-G.
Other names: c.3156G>C, p.Glu1052Asp (NM_138270.5); short protein forms E1052D, E1090D.
Identifiers: ClinVar variation 947986 (VCV000947986.13), dbSNP rs781992894, ClinGen allele CA413707022.

ClinVar aggregate classification (germline): Conflicting classifications of pathogenicity. Review status: criteria provided, conflicting classifications (1 of 4 stars). 2 submissions from 2 submitters: Uncertain significance (1); Likely benign (1). Last evaluated 2023-10-13.

Conditions:
Alpha thalassemia-X-linked intellectual disability syndrome (ATRX). Also called: ALPHA-THALASSEMIA/MENTAL RETARDATION SYNDROME, X-LINKED; ATR, NONDELETION TYPE; ATR-X syndrome; Alpha thalassemia mental retardation syndrome, nondeletion type, X-linked; XLMR hypotonic face syndrome; X-linked alpha-thalassemia-mental retardation syndrome. Identifiers: Orphanet 847, MedGen C1845055, MONDO:0010519, OMIM 301040.

Allele frequency attached by ClinVar (database versions not stated): TOPMed 0.00001; gnomAD 0.00001.
gnomAD v4.1: 7 of 1,208,613 alleles (0.00058%); highest among the groups gnomAD compares: Non-Finnish European, 0.00078%; no homozygotes.

Submissions (2):

Labcorp Genetics (formerly Invitae), Labcorp
Classification: Likely benign for Alpha thalassemia-X-linked intellectual disability syndrome. Last evaluated: 2023-10-13. Review status: criteria provided, single submitter. Criteria: Invitae Variant Classification Sherloc (09022015). Collection method: clinical testing. Allele origin: germline.

GeneDx
Classification: Uncertain significance. Last evaluated: 2020-08-25. Review status: criteria provided, single submitter. Criteria: GeneDx Variant Classification Process June 2021. Collection method: clinical testing. Allele origin: germline. Affected: yes.
Comment: Has not been previously published as pathogenic or benign to our knowledge; Not observed at a significant frequency in large population cohorts (Lek et al., 2016); In silico analysis supports that this missense variant does not alter protein structure/function